The following is an entry in ClinVar:

ClinVar aggregate classification (germline): Conflicting classifications of pathogenicity. Review status: criteria provided, conflicting classifications (1 of 4 stars). 8 submissions from 8 submitters: Uncertain significance (3); Benign (1); Likely benign (4). Last evaluated 2025-07-28.

Conditions:
EXT1-related disorder. Also called: EXT1-related condition.
Exostoses, multiple, type 1 (EXT1). Also called: EXOSTOSES, MULTIPLE, TYPE I; Hereditary Multiple Osteochondromatosis, Type I. Identifiers: MedGen CN263289, MONDO:0007585, OMIM 133700.
Multiple congenital exostosis (EXT). Also called: MULTIPLE CARTILAGINOUS EXOSTOSES; Multiple exostoses; Hereditary multiple osteochondromas; Hereditary multiple exostoses; Hereditary multiple exostosis; Multiple osteochondromas. Identifiers: Orphanet 321, MedGen C0015306, MONDO:0005508, HP:0002762.
Childhood neoplasm. Identifiers: MedGen C1368871, MONDO:0021079.

Allele frequency attached by ClinVar (database versions not stated): 1000 Genomes Project 30x 0.00016; ExAC 0.00019; 1000 Genomes Project 0.00020; gnomAD 0.00022 and 0.00024; gnomAD exomes 0.00023 and 0.00041; TOPMed 0.00024; ESP Exome Variant Server 0.00038.
gnomAD v4.1: 621 of 1,613,946 alleles (0.038%); highest among the groups gnomAD compares: Non-Finnish European, 0.05%; no homozygotes.

Submissions (8):

Labcorp Genetics (formerly Invitae), Labcorp
Classification: Likely benign for Multiple congenital exostosis. Last evaluated: 2025-07-28. Review status: criteria provided, single submitter. Criteria: Invitae Variant Classification Sherloc (09022015). Collection method: clinical testing. Allele origin: germline.

Blueprint Genetics
Classification: Uncertain significance. Last evaluated: 2024-10-23. Review status: criteria provided, single submitter. Criteria: ACMG Guidelines, 2015. Collection method: clinical testing. Allele origin: germline.

PreventionGenetics, part of Exact Sciences
Classification: Uncertain significance for EXT1-related condition. Last evaluated: 2023-02-08. Review status: criteria provided, single submitter. Criteria: ACMG Guidelines, 2015. Collection method: clinical testing. Allele origin: germline.
Comment: The EXT1 c.1066G>A variant is predicted to result in the amino acid substitution p.Val356Ile. To our knowledge, this variant has not been reported in the literature. This variant is reported in 0.040% of alleles in individuals of European (Non-Finnish) descent in gnomAD. This variant has been classified as likely benign in the ClinVar database. Although we suspect that this variant may be benign, at this time, the clinical significance of this variant is uncertain due to the absence of conclusive functional and genetic evidence.

St. Jude Molecular Pathology, St. Jude Children's Research Hospital
Classification: Uncertain significance for Exostoses, multiple, type 1. Last evaluated: 2022-11-30. Review status: criteria provided, single submitter. Criteria: St. Jude Assertion Criteria 2020. Collection method: clinical testing. Allele origin: germline.
Comment: The EXT1 c.1066G>A (p.Val356Ile) missense change has a maximum subpopulation frequency of 0.040% in gnomAD v2.1.1. The in silico tool REVEL is inconclusive about a pathogenic or benign effect of this variant on protein function, and to our knowledge functional studies have not been performed. This variant has been reported in an individual with hereditary multiple exostoses. The individual was homozygous for the C/T polymorphism at c.1065 but was heterozygous for c.1066G>A (PMID: 10713884). In summary, the evidence currently available is insufficient to determine the clinical significance of this variant. It has therefore been classified as of uncertain significance.

Cambridge Genomics Laboratory, East Genomic Laboratory Hub, NHS Genomic Medicine Service
Classification: Benign for Childhood neoplasm. Last evaluated: 2019-08-20. Review status: criteria provided, single submitter. Criteria: ACGS Best Practice Guidelines for Variant Classification in Rare Disease 2020. Collection method: clinical testing. Allele origin: germline. Affected: yes. Observed: 1 variant allele.

GeneDx
Classification: Likely benign. Last evaluated: 2018-10-04. Review status: criteria provided, single submitter. Criteria: GeneDx Variant Classification (06012015). Collection method: clinical testing. Allele origin: germline. Affected: yes.
Comment: This variant is considered likely benign or benign based on one or more of the following criteria: it is a conservative change, it occurs at a poorly conserved position in the protein, it is predicted to be benign by multiple in silico algorithms, and/or has population frequency not consistent with disease.

Illumina Laboratory Services, Illumina
Classification: Likely benign for Exostoses, multiple, type 1. Last evaluated: 2018-01-12. Review status: criteria provided, single submitter. Criteria: ICSL Variant Classification Criteria 13 December 2019. Collection method: clinical testing. Allele origin: germline.
Comment: This variant was observed in the ICSL laboratory as part of a predisposition screen in an ostensibly healthy population. It had not been previously curated by ICSL or reported in the Human Gene Mutation Database (HGMD: prior to June 1st, 2018), and was therefore a candidate for classification through an automated scoring system. Utilizing variant allele frequency, disease prevalence and penetrance estimates, and inheritance mode, an automated score was calculated to assess if this variant is too frequent to cause the disease. Based on the score and internal cut-off values, a variant classified as likely benign is not then subjected to further curation. The score for this variant resulted in a classification of likely benign for this disease.

Breakthrough Genomics
Classification: Likely benign. Review status: criteria provided, single submitter. Criteria: ACMG Guidelines, 2015. Collection method: not provided. Allele origin: germline. Inheritance: Autosomal dominant inheritance. Affected: yes.

NM_000127.3(EXT1):c.1066G>A (p.Val356Ile)

Gene: EXT1 (exostosin glycosyltransferase 1; minus strand). Cytogenetic location: 8q24.11.
Variant type: single nucleotide variant.
Coding change: c.1066G>A on transcript NM_000127.3 (MANE Select); coding-DNA position 1066, G replaced by A.
Protein change: p.Val356Ile; replaces valine 356 with isoleucine.
Molecular consequence: missense variant.
Genome position (GRCh38, 1-based): chr8:117,835,542, C>T on the plus strand (G>A on the coding strand, the complement: EXT1 is on the minus strand). VCF-style: chr8-117835542-C-T. GRCh37 (hg19) VCF-style: chr8-118847781-C-T.
Other names: short protein forms V356I.
Identifiers: ClinVar variation 361658 (VCV000361658.19), dbSNP rs61753260, ClinGen allele CA4854241.
Genomic context (GRCh38, chr8:117,835,542, plus strand): 5'-GGTTCCAATTAATCACTTCAGAGAATGGCAACTCCCATCCATTGCTGAGCATCACAGGGA[C>T]GCAGGCAGCCTGAGCAAAAAAGGGGACTTCGTGAATGTGAGGAAAGCGACAGCAGAAGCT-3'
Protein context (NP_000118.2, residues 346-366): RFLEALQAAC[Val356Ile]PVMLSNGWEL